The following is an entry in ClinVar:

ClinVar aggregate classification (germline): Uncertain significance (1 of 4 stars; one submission).

Submission:

GeneDx
Classification: Uncertain significance. Last evaluated: 2025-03-19. Review status: criteria provided, single submitter. Criteria: GeneDx Variant Classification Process June 2021. Collection method: clinical testing. Allele origin: germline. Affected: yes.
Comment: Not observed at significant frequency in large population cohorts (gnomAD); In silico analysis indicates that this missense variant does not alter protein structure/function; Has not been previously published as pathogenic or benign to our knowledge

NM_001127464.1:c.7975G>A

Gene: ZNF469 (zinc finger protein 469; plus strand).
Variant type: single nucleotide variant.
Identifiers: ClinVar variation 4086319 (VCV004086319.1).